The following continues an entry in ClinVar:

NM_000179.3(MSH6):c.335A>G (p.Asn112Ser)

Gene: MSH6. ClinVar aggregate classification (germline): Conflicting classifications of pathogenicity. Uncertain significance (11); Benign (2); Likely benign (3).

Submissions 12 to 17 of 17:

Ambry Genetics
Classification: Likely benign for Hereditary cancer-predisposing syndrome. Last evaluated: 2023-03-10. Review status: criteria provided, single submitter. Criteria: Ambry Variant Classification Scheme 2023. Collection method: clinical testing. Allele origin: germline.

St. Jude Molecular Pathology, St. Jude Children's Research Hospital
Classification: Uncertain significance for Lynch syndrome 5. Last evaluated: 2023-02-15. Review status: criteria provided, single submitter. Criteria: St. Jude Assertion Criteria 2020. Collection method: clinical testing. Allele origin: germline.
Comment: The MSH6 c.335A>G (p.Asn112Ser) missense change has a maximum subpopulation frequency of 0.0080% in gnomAD v2.1.1. The in silico tool REVEL predicts a benign effect of this variant on protein function, but to our knowledge functional studies have not been performed. This variant has been reported in an individual with endometrial cancer who has a MSS tumor and did not meet Amsterdam criteria (PMID: 31307542). It has also been reported in an individual with a personal history of endometrial cancer, skin cancer, and no reported family history of cancer (PMID: 32634176). In summary, the evidence currently available is insufficient to determine the clinical significance of this variant. It has therefore been classified as of uncertain significance.

Sema4
Classification: Uncertain significance for Hereditary cancer-predisposing syndrome. Last evaluated: 2021-12-29. Review status: criteria provided, single submitter. Criteria: Sema4 Curation Guidelines. Collection method: curation. Allele origin: germline.
Comment: The MSH6 c.335A>G (p.N112S) variant has been reported in heterozygosity in individuals with colorectal, breast, or endometrial cancer (PMID: 32804454, 31307542, 32634176). This variant was also reported in 7/60466 breast cancer cases and 5/53461 healthy controls by a large case-control study (PMID: 33471991). It was observed in 7/282896 chromosomes across the different populations included in the Genome Aggregation Databasee (PMID: 32461654). The variant has been reported in ClinVar (Variation ID 127586). Functional studies have not been performed, and in silico predictions of the variant's effect on protein function are inconclusive. The evidence is insufficient to meet ACMG/AMP criteria for classifying the variant as benign or pathogenic. Thus, the clinical significance of this variant is currently uncertain.

Illumina Laboratory Services, Illumina
Classification: Uncertain significance for Lynch syndrome 5. Last evaluated: 2018-01-12. Review status: criteria provided, single submitter. Criteria: ICSL Variant Classification Criteria 13 December 2019. Collection method: clinical testing. Allele origin: germline.

Laboratory for Molecular Medicine, Mass General Brigham Personalized Medicine
Classification: Uncertain significance. Last evaluated: 2017-01-25. Review status: criteria provided, single submitter. Criteria: LMM Criteria. Collection method: clinical testing. Allele origin: germline. Observed: 1 variant allele.
Comment: The p.Asn112Ser variant in MSH6 has not been previously reported in individuals with Lynch syndrome. This variant has been identified in 1/10406 of African chro mosomes by the Exome Aggregation Consortium (ExAC, g; dbSNP rs587779934). Computational prediction tools and conservation analysis suggest that the p.Asn112Ser variant may not impact the protein, though this inf ormation is not predictive enough to rule out pathogenicity. In summary, the cli nical significance of the p.Asn112Ser variant is uncertain.

Department of Pathology and Laboratory Medicine, Sinai Health System
Classification: Uncertain significance for Malignant tumor of breast. Review status: no assertion criteria provided. Collection method: clinical testing. Allele origin: unknown. Affected: yes. Observed: 1 variant allele. Study: The Canadian Open Genetics Repository (COGR). Not counted in ClinVar's aggregate classification.
Comment: The MSH6 p.Asn112Ser variant was identified in 1 of 460 proband chromosomes (frequency: 0.002) from individuals or families with triple negative breast cancer (Lovejoy 2018). The variant was also identified in dbSNP (ID: rs587779934) as "With Uncertain significance allele", ClinVar (classified as uncertain significance by Invitae, GeneDx, Ambry Genetics and three other submitters), and in UMD-LSDB (1x as unclassified variant). The variant was identified in control databases in 7 of 277252 chromosomes at a frequency of 0.00003 (Genome Aggregation Database Feb 27, 2017). The variant was observed in the following populations: African in 2 of 24034 chromosomes (freq: 0.00008), European in 4 of 126734 chromosomes (freq: 0.00003), East Asian in 1 of 18868 chromosomes (freq: 0.00005), while the variant was not observed in the Other, Latino, Ashkenazi Jewish, Finnish, or South Asian populations. The p.Asn112 residue is conserved in mammals but not in more distantly related organisms however four out of five computational analyses (PolyPhen-2, SIFT, AlignGVGD, BLOSUM, MutationTaster) do not suggest a high likelihood of impact to the protein; this information is not predictive enough to rule out pathogenicity. The variant occurs outside of the splicing consensus sequence and 4 of 4 in silico or computational prediction software programs (SpliceSiteFinder, MaxEntScan, NNSPLICE, GeneSplicer) predict a greater than 10% difference in splicing. However, this information is not predictive enough to assume pathogenicity. In summary, based on the above information the clinical significance of this variant cannot be determined with certainty at this time. This variant is classified as a variant of uncertain significance.

Literature cited by the submitters: PubMed 29684080 (cited by 4 submitters); PubMed 33471991 (cited by 4 submitters); PubMed 32634176 (cited by 4 submitters); PubMed 35449176 (cited by Women's Health and Genetics/Laboratory Corporation of America, LabCorp and Quest Diagnostics Nichols Institute San Juan Capistrano); PubMed 36243179 (cited by Women's Health and Genetics/Laboratory Corporation of America, LabCorp and Quest Diagnostics Nichols Institute San Juan Capistrano); PubMed 36169650 (cited by Women's Health and Genetics/Laboratory Corporation of America, LabCorp and Quest Diagnostics Nichols Institute San Juan Capistrano); PubMed 27363726 (cited by Myriad Genetics, Inc.); PubMed 32804454 (cited by 3 submitters); PubMed 31307542 (cited by 4 submitters); PubMed 31422818 (cited by Ambry Genetics).